The following is an entry in ClinVar:

NM_032221.5(CHD6):c.5825A>T (p.His1942Leu)

Gene: CHD6 (chromodomain helicase DNA binding protein 6; minus strand). Cytogenetic location: 20q12.
Variant type: single nucleotide variant.
Coding change: c.5825A>T on transcript NM_032221.5 (MANE Select); coding-DNA position 5825, A replaced by T.
Protein change: p.His1942Leu; replaces histidine 1942 with leucine.
Molecular consequence: missense variant.
Genome position (GRCh38, 1-based): chr20:41,420,810, T>A on the plus strand (A>T on the coding strand, the complement: CHD6 is on the minus strand). VCF-style: chr20-41420810-T-A. GRCh37 (hg19) VCF-style: chr20-40049450-T-A.
Other names: short protein forms H1942L.
Identifiers: ClinVar variation 4872042 (VCV004872042.2).
Genomic context (GRCh38, chr20:41,420,810, plus strand): 5'-GCCTTGGGTTTCTCGATTTCAAATTCATCATTCTCGAGGCCATGCATCCACCTCTCCATG[T>A]GTTTGCAGTGGCACTGACAGGCTGCTGGAGCGGGGAAAGCCCTCTGTAGCCCAGGAGTCT-3'
Protein context (NP_115597.3, residues 1932-1952): APAACQCHCK[His1942Leu]MERWMHGLEN

ClinVar aggregate classification (germline): Likely benign (1 of 4 stars; one submission).

gnomAD v4.1: 7,657 of 1,614,214 alleles (0.47%); highest among the groups gnomAD compares: Middle Eastern, 4.7%; 55 homozygotes.

Submission:

CeGaT Center for Human Genetics Tuebingen
Classification: Likely benign. Last evaluated: 2026-06-01. Review status: criteria provided, single submitter. Criteria: CeGaT Center For Human Genetics Tuebingen Variant Classification Criteria Version 2. Collection method: clinical testing. Allele origin: germline. Affected: yes. Observed: 2 variant alleles.
Comment: CHD6: BP4, BS2